The following is an entry in ClinVar:

NM_000059.4(BRCA2):c.9257-5119C>T

Gene: BRCA2 (BRCA2 DNA repair associated; plus strand). Cytogenetic location: 13q13.1.
Variant type: single nucleotide variant.
Coding change: c.9257-5119C>T on transcript NM_000059.4 (MANE Select); 5119 bases into the intron before coding-DNA position 9257, C replaced by T.
Molecular consequence: intron variant.
Genome position (GRCh38, 1-based): chr13:32,389,570, C>T. VCF-style: chr13-32389570-C-T. GRCh37 (hg19) VCF-style: chr13-32963707-C-T.
Other names: IVS 24-5119C>T.
Identifiers: ClinVar variation 209958 (VCV000209958.1), dbSNP rs4942505, ClinGen allele CA276925.

ClinVar aggregate classification (germline): Benign (3 of 4 stars; one submission).

Conditions:
Breast-ovarian cancer, familial, susceptibility to, 2 (BROVCA2). Also called: BRCA2 Hereditary Breast and Ovarian Cancer. Identifiers: Orphanet 145, MedGen C2675520, MONDO:0012933, OMIM 612555. Disease mechanism: loss of function.

Allele frequency attached by ClinVar (database versions not stated): 1000 Genomes Project 30x 0.52124; 1000 Genomes Project 0.52396; TOPMed 0.52553; gnomAD 0.53199 and 0.53326.
gnomAD v4.1: 80,757 of 152,068 alleles (53%); highest among the groups gnomAD compares: East Asian, 57%; 21,540 homozygotes.

Submission:

Evidence-based Network for the Interpretation of Germline Mutant Alleles (ENIGMA)
Classification: Benign for Breast-ovarian cancer, familial 2. Last evaluated: 2015-01-12. Review status: reviewed by expert panel. Criteria: ENIGMA BRCA1/2 Classification Criteria (2015). Collection method: curation. Allele origin: germline.
Comment: Class 1 not pathogenic based on frequency >1% in an outbred sampleset. Frequency 0.549 (Asian), 0.5407 (African), 0.5356 (European), derived from 1000 genomes (2012-04-30).